The following is an entry in ClinVar:

ClinVar aggregate classification (germline): Uncertain significance (1 of 4 stars; one submission).

Allele frequency attached by ClinVar (database versions not stated): gnomAD exomes below 0.00001 and 0.00001; ExAC 0.00001; gnomAD 0.00001; TOPMed 0.00002.
gnomAD v4.1: 14 of 1,612,906 alleles (0.00087%); highest among the groups gnomAD compares: African/African-American, 0.0013%; no homozygotes.

Submission:

Labcorp Genetics (formerly Invitae), Labcorp
Classification: Uncertain significance. Last evaluated: 2021-08-24. Review status: criteria provided, single submitter. Criteria: Invitae Variant Classification Sherloc (09022015). Collection method: clinical testing. Allele origin: germline.
Comment: This sequence change replaces phenylalanine with leucine at codon 279 of the CFAP298 protein (p.Phe279Leu). The phenylalanine residue is highly conserved and there is a small physicochemical difference between phenylalanine and leucine. This variant is present in population databases (rs749424725, ExAC 0.01%). This variant has not been reported in the literature in individuals affected with CFAP298-related conditions. Algorithms developed to predict the effect of missense changes on protein structure and function (SIFT, PolyPhen-2, Align-GVGD) all suggest that this variant is likely to be tolerated. In summary, the available evidence is currently insufficient to determine the role of this variant in disease. Therefore, it has been classified as a Variant of Uncertain Significance.

NM_021254.4(CFAP298):c.835T>C (p.Phe279Leu)

Genes: CFAP298 (cilia and flagella associated protein 298; minus strand), CFAP298-TCP10L (CFAP298-TCP10L readthrough; minus strand). Cytogenetic location: 21q22.11.
Variant type: single nucleotide variant.
Coding change: c.835T>C on transcript NM_021254.4 (MANE Select); coding-DNA position 835, T replaced by C.
Protein change: p.Phe279Leu; replaces phenylalanine 279 with leucine.
Molecular consequence: missense variant. On other transcripts: 3 prime UTR variant (2), intron variant (1).
Genome position (GRCh38, 1-based): chr21:32,601,901, A>G on the plus strand (T>C on the coding strand, the complement: CFAP298 is on the minus strand). VCF-style: chr21-32601901-A-G. GRCh37 (hg19) VCF-style: chr21-33974211-A-G.
Other names: c.538T>C, p.Phe180Leu (NM_001350334.2); c.*1188T>C (NM_001350335.2); c.739T>C, p.Phe247Leu (NM_001350336.2); c.*323T>C (NM_001350337.2); c.666+1260T>C (NM_001350338.2); short protein forms F180L, F247L, F279L.
Identifiers: ClinVar variation 1005343 (VCV001005343.6), dbSNP rs749424725, ClinGen allele CA10002695.